The following is an entry in ClinVar:

NM_024598.4(USB1):c.280G>C (p.Glu94Gln)

Gene: USB1 (U6 snRNA biogenesis phosphodiesterase 1; plus strand). Cytogenetic location: 16q21.
Variant type: single nucleotide variant.
Coding change: c.280G>C on transcript NM_024598.4 (MANE Select); coding-DNA position 280, G replaced by C.
Protein change: p.Glu94Gln; replaces glutamic acid 94 with glutamine.
Molecular consequence: missense variant.
Genome position (GRCh38, 1-based): chr16:58,009,943, G>C. VCF-style: chr16-58009943-G-C. GRCh37 (hg19) VCF-style: chr16-58043847-G-C.
Other names: c.280G>C, p.Glu94Gln (NM_001195302.2, NM_001204911.2, NM_001330569.2); c.127G>C, p.Glu43Gln (NM_001330568.2); short protein forms E94Q, E43Q.
Identifiers: ClinVar variation 4196811 (VCV004196811.1).

ClinVar aggregate classification (germline): Uncertain significance (1 of 4 stars; one submission).

Conditions:
Inborn genetic diseases. Identifiers: MedGen C0950123, MeSH D030342.

gnomAD v4.1: 1 of 1,613,716 alleles (0.000062%); highest among the groups gnomAD compares: African/African-American, 0.0013%; no homozygotes.

Submission:

Ambry Genetics
Classification: Uncertain significance for Inborn genetic diseases. Last evaluated: 2025-08-11. Review status: criteria provided, single submitter. Criteria: Ambry Variant Classification Scheme 2023. Collection method: clinical testing. Allele origin: germline.
Comment: The p.E94Q variant (also known as c.280G>C), located in coding exon 3 of the USB1 gene, results from a G to C substitution at nucleotide position 280. The glutamic acid at codon 94 is replaced by glutamine, an amino acid with highly similar properties. This amino acid position is conserved. In addition, this alteration is predicted to be tolerated by in silico analysis. Based on the available evidence, the clinical significance of this variant remains unclear.